The following is an entry in ClinVar:

ClinVar aggregate classification (germline): Pathogenic/Likely pathogenic. Review status: criteria provided, multiple submitters, no conflicts (2 of 4 stars). 8 submissions from 7 submitters: Pathogenic (3); Likely pathogenic (2). 3 of the submissions do not count toward it. Last evaluated 2024-12-11.

Conditions:
Charcot-Marie-Tooth disease. Also called: Charcot-Marie-Tooth Neuropathy; Charcot-Marie-Tooth Hereditary Neuropathy. Identifiers: Orphanet 166, MedGen C0007959, MONDO:0015626.
Neuromuscular disease. Also called: Neuromuscular disorder; Neuromyopathy. Identifiers: Orphanet 68381, MedGen C0027868, MeSH D009468, MONDO:0019056.
Skeletal dysplasia. Also called: Primary bone dysplasia. Identifiers: Orphanet 364526, MedGen C0410528, MONDO:0018230, HP:0002652.
Charcot-Marie-Tooth disease axonal type 2C (HMSN2C). Also called: Charcot-Marie-Tooth Disease Type 2, TRPV4-Related (CMT2C); CHARCOT-MARIE-TOOTH DISEASE, AXONAL, AUTOSOMAL DOMINANT, TYPE 2C; Charcot-Marie-Tooth Neuropathy Type 2C. Identifiers: Orphanet 99937, MedGen C1853710, MONDO:0011633, OMIM 606071.
Brachyrachia (short spine dysplasia) (BCYM3). Also called: Brachyolmia, TRPV4-Related; Brachyolmia Type 3; BRACHYRACHIA; Autosomal dominant brachyolmia. Identifiers: Orphanet 93304, MedGen C0432227, MONDO:0007232, OMIM 113500.
Metatropic dysplasia (MTD). Also called: METATROPIC DWARFISM; Metatropic Dysplasia, TRPV4-Related; Metatropic dysplasia, nonlethal dominant. Identifiers: Orphanet 2635, MedGen C0265281, MONDO:0007986, OMIM 156530.

Allele frequency attached by ClinVar (database versions not stated): gnomAD exomes below 0.00001; 1000 Genomes Project 30x 0.00016; ExAC 0.00001; 1000 Genomes Project 0.00020.
gnomAD v4.1: 1 of 1,613,892 alleles (0.000062%); highest among the groups gnomAD compares: Non-Finnish European, 0.000085%; no homozygotes.

Submissions (8):

Labcorp Genetics (formerly Invitae), Labcorp
Classification: Pathogenic for Charcot-Marie-Tooth disease axonal type 2C. Last evaluated: 2024-12-11. Review status: criteria provided, single submitter. Criteria: Invitae Variant Classification Sherloc (09022015). Collection method: clinical testing. Allele origin: germline.
Comment: This sequence change replaces valine, which is neutral and non-polar, with isoleucine, which is neutral and non-polar, at codon 620 of the TRPV4 protein (p.Val620Ile). This variant is present in population databases (rs121912633, gnomAD 0.0009%). This missense change has been observed in individual(s) with autosomal dominant brachyolmia and hereditary motor and sensory neuropathy 2 (PMID: 18587396, 20460441). In at least one individual the variant was observed to be de novo. It has also been observed to segregate with disease in related individuals. ClinVar contains an entry for this variant (Variation ID: 4993). Invitae Evidence Modeling of protein sequence and biophysical properties (such as structural, functional, and spatial information, amino acid conservation, physicochemical variation, residue mobility, and thermodynamic stability) has been performed for this missense variant. However, the output from this modeling did not meet the statistical confidence thresholds required to predict the impact of this variant on TRPV4 protein function. Experimental studies have shown that this missense change affects TRPV4 function (PMID: 18587396, 20037588, 21573172). For these reasons, this variant has been classified as Pathogenic.

Institute of Human Genetics, University of Leipzig Medical Center
Classification: Likely pathogenic for Metatropic dysplasia. Last evaluated: 2023-01-02. Review status: criteria provided, single submitter. Criteria: ACMG Guidelines, 2015. Collection method: clinical testing. Allele origin: unknown. Inheritance: Autosomal dominant inheritance. Affected: yes.

Clinical Genetics and Genomics, Karolinska University Hospital
Classification: Pathogenic. Last evaluated: 2018-11-19. Review status: criteria provided, single submitter. Criteria: ACMG Guidelines, 2015. Collection method: clinical testing. Allele origin: germline. Affected: yes. Observed: 1 variant allele.

Eurofins Ntd Llc (ga)
Classification: Pathogenic. Last evaluated: 2017-09-01. Review status: criteria provided, single submitter. Criteria: EGL Classification Definitions 2015. Collection method: clinical testing. Allele origin: germline. Observed: 1 variant allele, 1 heterozygote.

Molecular Genetics Laboratory, London Health Sciences Centre
Classification: Likely pathogenic for Charcot-Marie-Tooth disease. Review status: criteria provided, single submitter. Criteria: ACMG Guidelines, 2015. Collection method: clinical testing. Allele origin: germline. Affected: yes.

OMIM
Classification: Pathogenic for BRACHYOLMIA TYPE 3. Last evaluated: 2008-08-01. Review status: no assertion criteria provided. Collection method: literature only. Allele origin: germline. Not counted in ClinVar's aggregate classification.

GeneReviews
No classification provided. Condition: Neuromuscular disease; Skeletal dysplasia. Review status: no classification provided. Collection method: literature only. Allele origin: germline. Affected: yes. Not counted in ClinVar's aggregate classification.

GeneReviews
No classification provided. Condition: Skeletal dysplasia. Review status: no classification provided. Collection method: literature only. Allele origin: germline. Affected: yes. Not counted in ClinVar's aggregate classification.

Literature cited by the submitters: PubMed 18587396 (cited by 3 submitters); PubMed 20460441 (cited by Labcorp Genetics (formerly Invitae), Labcorp and Eurofins Ntd Llc (ga)); PubMed 20037588 (cited by Labcorp Genetics (formerly Invitae), Labcorp); PubMed 21573172 (cited by Labcorp Genetics (formerly Invitae), Labcorp and Eurofins Ntd Llc (ga)); PubMed 24577120 (cited by Eurofins Ntd Llc (ga)); PubMed 25703509 (cited by Eurofins Ntd Llc (ga)); NCBI Bookshelf NBK201366 (cited by GeneReviews).

NM_021625.5(TRPV4):c.1858G>A (p.Val620Ile)

Gene: TRPV4 (transient receptor potential cation channel subfamily V member 4; minus strand). Cytogenetic location: 12q24.11.
Variant type: single nucleotide variant.
Coding change: c.1858G>A on transcript NM_021625.5 (MANE Select); coding-DNA position 1858, G replaced by A.
Protein change: p.Val620Ile; replaces valine 620 with isoleucine.
Molecular consequence: missense variant.
Genome position (GRCh38, 1-based): chr12:109,792,396, C>T on the plus strand (G>A on the coding strand, the complement: TRPV4 is on the minus strand). VCF-style: chr12-109792396-C-T. GRCh37 (hg19) VCF-style: chr12-110230201-C-T.
Other names: V620I; c.1717G>A, p.Val573Ile (NM_001177428.2); c.1756G>A, p.Val586Ile (NM_001177431.2); c.1537G>A, p.Val513Ile (NM_001177433.2); c.1678G>A, p.Val560Ile (NM_147204.3); short protein forms V560I, V513I, V573I, V586I.
Identifiers: ClinVar variation 4993 (VCV000004993.20), dbSNP rs121912633, ClinGen allele CA117166.